The following is an entry in ClinVar:

NM_000136.3(FANCC):c.12_14delinsAAGATCAA (p.Asp4fs)

Gene: FANCC (FA complementation group C; minus strand). Cytogenetic location: 9q22.32.
Variant type: Indel.
Coding change: c.12_14delinsAAGATCAA on transcript NM_000136.3 (MANE Select); coding-DNA positions 12 to 14, TTC replaced by AAGATCAA.
Protein change: p.Asp4fs; shifts the reading frame from aspartic acid 4.
Molecular consequence: frameshift variant.
Genome position (GRCh38, 1-based): chr9:95,249,278-95,249,280, GAA replaced by TTGATCTT on the plus strand (TTC replaced by AAGATCAA on the coding strand, the reverse complement: FANCC is on the minus strand). VCF-style: chr9-95249278-GAA-TTGATCTT. GRCh37 (hg19) VCF-style: chr9-98011560-GAA-TTGATCTT.
Other names: c.12_14delinsAAGATCAA, p.Asp4fs (NM_001243743.2, NM_001243744.2); short protein forms D4fs.
Identifiers: ClinVar variation 818570 (VCV000818570.5), dbSNP rs1588353886, ClinGen allele CA915947027.

ClinVar aggregate classification (germline): Pathogenic/Likely pathogenic. Review status: criteria provided, multiple submitters, no conflicts (2 of 4 stars). 2 submissions from 2 submitters: Pathogenic (1); Likely pathogenic (1). Last evaluated 2022-01-07.

Conditions:
Fanconi anemia complementation group C (FANCC). Also called: FANCONI PANCYTOPENIA, TYPE 3; FACC; FANCC-Related Fanconi Anemia; Fanconi anemia, group C. Identifiers: Orphanet 84, MedGen C3468041, MONDO:0009213, OMIM 227645.
Hereditary cancer-predisposing syndrome. Also called: Tumor predisposition; Hereditary neoplastic syndrome; Neoplastic Syndromes, Hereditary; Hereditary Cancer Syndrome. Identifiers: Orphanet 140162, MedGen C0027672, MeSH D009386, MONDO:0015356.

Submissions (2):

Fulgent Genetics
Classification: Likely pathogenic for Fanconi anemia complementation group C. Last evaluated: 2022-01-07. Review status: criteria provided, single submitter. Criteria: ACMG Guidelines, 2015. Collection method: clinical testing. Allele origin: unknown.

Ambry Genetics
Classification: Pathogenic for Hereditary cancer-predisposing syndrome. Last evaluated: 2019-12-10. Review status: criteria provided, single submitter. Criteria: Ambry Variant Classification Scheme 2023. Collection method: clinical testing. Allele origin: germline.
Comment: The c.12_15delTTCAinsAAGATCAAA pathogenic mutation, located in coding exon 1 of the FANCC gene, results from the deletion of 4 nucleotides and insertion of 9 nucleotides causing a translational frameshift with a predicted alternate stop codon (p.D4Efs*5). This alteration is expected to result in loss of function by premature protein truncation or nonsense-mediated mRNA decay. As such, this alteration is interpreted as a disease-causing mutation.